The following is an entry in ClinVar:

ClinVar aggregate classification (germline): Uncertain significance (1 of 4 stars; one submission).

Conditions:
Cholestanol storage disease (CTX). Also called: Cerebrotendinous Xanthomatosis; CEREBRAL CHOLESTERINOSIS; CTX: Cerebrotendinous xanthomatosis. Identifiers: Orphanet 909, MedGen C0238052, MONDO:0008948, OMIM 213700.

Submission:

Labcorp Genetics (formerly Invitae), Labcorp
Classification: Uncertain significance for Cholestanol storage disease. Last evaluated: 2021-09-24. Review status: criteria provided, single submitter. Criteria: Invitae Variant Classification Sherloc (09022015). Collection method: clinical testing. Allele origin: germline.
Comment: This sequence change replaces arginine with glycine at codon 53 of the CYP27A1 protein (p.Arg53Gly). The arginine residue is moderately conserved and there is a moderate physicochemical difference between arginine and glycine. This variant is not present in population databases (ExAC no frequency). This variant has not been reported in the literature in individuals with CYP27A1-related conditions. Advanced modeling of protein sequence and biophysical properties (such as structural, functional, and spatial information, amino acid conservation, physicochemical variation, residue mobility, and thermodynamic stability) performed at Invitae indicates that this missense variant is not expected to disrupt CYP27A1 protein function. In summary, the available evidence is currently insufficient to determine the role of this variant in disease. Therefore, it has been classified as a Variant of Uncertain Significance.

NM_000784.4(CYP27A1):c.157C>G (p.Arg53Gly)

Gene: CYP27A1 (cytochrome P450 family 27 subfamily A member 1; plus strand). Cytogenetic location: 2q35.
Variant type: single nucleotide variant.
Coding change: c.157C>G on transcript NM_000784.4 (MANE Select); coding-DNA position 157, C replaced by G.
Protein change: p.Arg53Gly; replaces arginine 53 with glycine.
Molecular consequence: missense variant.
Genome position (GRCh38, 1-based): chr2:218,782,339, C>G. VCF-style: chr2-218782339-C-G. GRCh37 (hg19) VCF-style: chr2-219647062-C-G.
Other names: short protein forms R53G.
Identifiers: ClinVar variation 1466829 (VCV001466829.5), dbSNP rs757522001, ClinGen allele CA350576252.